The following is an entry in ClinVar:

NM_006514.4(SCN10A):c.1816C>T (p.Arg606Trp)

Gene: SCN10A (sodium voltage-gated channel alpha subunit 10; minus strand). Cytogenetic location: 3p22.2.
Variant type: single nucleotide variant.
Coding change: c.1816C>T on transcript NM_006514.4 (MANE Select); coding-DNA position 1816, C replaced by T.
Protein change: p.Arg606Trp; replaces arginine 606 with tryptophan.
Molecular consequence: missense variant.
Genome position (GRCh38, 1-based): chr3:38,750,124, G>A on the plus strand (C>T on the coding strand, the complement: SCN10A is on the minus strand). VCF-style: chr3-38750124-G-A. GRCh37 (hg19) VCF-style: chr3-38791615-G-A.
Other names: c.1816C>T, p.Arg606Trp (NM_001293306.2); c.1522C>T, p.Arg508Trp (NM_001293307.2); c.1816C>T (NM_006514.2); short protein forms R606W, R508W.
Identifiers: ClinVar variation 2140594 (VCV002140594.5), dbSNP rs763821142, ClinGen allele CA2320743.

ClinVar aggregate classification (germline): Uncertain significance. Review status: criteria provided, multiple submitters, no conflicts (2 of 4 stars). 2 submissions from 2 submitters: Uncertain significance (2). Last evaluated 2025-10-29.

Conditions:
Cardiovascular phenotype. Identifiers: MedGen CN230736.
Brugada syndrome. Also called: Sudden unexplained nocturnal death syndrome; Sudden unexpected nocturnal death syndrome; Sudden Unexplained Death Syndrome; Sudden Unexplained Nocturnal Death Syndrome (SUNDS). Identifiers: Orphanet 130, MedGen C1142166, MONDO:0015263.

Allele frequency attached by ClinVar (database versions not stated): gnomAD 0.00001; gnomAD exomes 0.00001; TOPMed 0.00002.
gnomAD v4.1: 12 of 1,612,976 alleles (0.00074%); highest among the groups gnomAD compares: East Asian, 0.0022%; no homozygotes.

Submissions (2):

Labcorp Genetics (formerly Invitae), Labcorp
Classification: Uncertain significance for Brugada syndrome. Last evaluated: 2025-10-29. Review status: criteria provided, single submitter. Criteria: Invitae Variant Classification Sherloc (09022015). Collection method: clinical testing. Allele origin: germline.
Comment: This sequence change replaces arginine, which is basic and polar, with tryptophan, which is neutral and slightly polar, at codon 606 of the SCN10A protein (p.Arg606Trp). The frequency data for this variant in the population databases is considered unreliable, as metrics indicate poor data quality at this position in the gnomAD database. This variant has not been reported in the literature in individuals affected with SCN10A-related conditions. ClinVar contains an entry for this variant (Variation ID: 2140594). Invitae Evidence Modeling of protein sequence and biophysical properties (such as structural, functional, and spatial information, amino acid conservation, physicochemical variation, residue mobility, and thermodynamic stability) indicates that this missense variant is not expected to disrupt SCN10A protein function with a negative predictive value of 80%. In summary, the available evidence is currently insufficient to determine the role of this variant in disease. Therefore, it has been classified as a Variant of Uncertain Significance.

Ambry Genetics
Classification: Uncertain significance for Cardiovascular phenotype. Last evaluated: 2024-09-06. Review status: criteria provided, single submitter. Criteria: Ambry Variant Classification Scheme 2023. Collection method: clinical testing. Allele origin: germline.
Comment: The p.R606W variant (also known as c.1816C>T), located in coding exon 12 of the SCN10A gene, results from a C to T substitution at nucleotide position 1816. The arginine at codon 606 is replaced by tryptophan, an amino acid with dissimilar properties. This amino acid position is well conserved in available vertebrate species. In addition, the in silico prediction for this alteration is inconclusive. The evidence for this gene-disease relationship is limited; therefore, the clinical significance of this alteration is unclear.